The following is an entry in ClinVar:

NM_005419.4(STAT2):c.1693C>T (p.His565Tyr)

Gene: STAT2 (signal transducer and activator of transcription 2; minus strand). Cytogenetic location: 12q13.3.
Variant type: single nucleotide variant.
Coding change: c.1693C>T on transcript NM_005419.4 (MANE Select); coding-DNA position 1693, C replaced by T.
Protein change: p.His565Tyr; replaces histidine 565 with tyrosine.
Molecular consequence: missense variant.
Genome position (GRCh38, 1-based): chr12:56,348,560, G>A on the plus strand (C>T on the coding strand, the complement: STAT2 is on the minus strand). VCF-style: chr12-56348560-G-A. GRCh37 (hg19) VCF-style: chr12-56742344-G-A.
Other names: c.1681C>T, p.His561Tyr (NM_198332.2); c.1693C>T, p.His565Tyr (LRG_1329t1); short protein forms H565Y, H561Y.
Identifiers: ClinVar variation 651189 (VCV000651189.7), dbSNP rs143700674, ClinGen allele CA6630433.

ClinVar aggregate classification (germline): Uncertain significance. Review status: criteria provided, multiple submitters, no conflicts (2 of 4 stars). 2 submissions from 2 submitters: Uncertain significance (2). Last evaluated 2025-11-03.

Conditions:
Inborn genetic diseases. Identifiers: MedGen C0950123, MeSH D030342.
Primary immunodeficiency with post-measles-mumps-rubella vaccine viral infection. Also called: Immunodeficiency 44. Identifiers: Orphanet 431166, MedGen C4225260, MONDO:0014715, OMIM 616636.

Allele frequency attached by ClinVar (database versions not stated): ExAC 0.00002; gnomAD exomes 0.00004 and 0.00010; TOPMed 0.00005; ESP Exome Variant Server 0.00008; gnomAD 0.00008 and 0.00009.
gnomAD v4.1: 151 of 1,614,052 alleles (0.0094%); highest among the groups gnomAD compares: Non-Finnish European, 0.012%; no homozygotes.

Submissions (2):

Labcorp Genetics (formerly Invitae), Labcorp
Classification: Uncertain significance for Primary immunodeficiency with post-measles-mumps-rubella vaccine viral infection. Last evaluated: 2025-11-03. Review status: criteria provided, single submitter. Criteria: Invitae Variant Classification Sherloc (09022015). Collection method: clinical testing. Allele origin: germline.
Comment: This sequence change replaces histidine, which is basic and polar, with tyrosine, which is neutral and polar, at codon 565 of the STAT2 protein (p.His565Tyr). This variant is present in population databases (rs143700674, gnomAD 0.04%). This variant has not been reported in the literature in individuals affected with STAT2-related conditions. ClinVar contains an entry for this variant (Variation ID: 651189). Invitae Evidence Modeling of protein sequence and biophysical properties (such as structural, functional, and spatial information, amino acid conservation, physicochemical variation, residue mobility, and thermodynamic stability) indicates that this missense variant is expected to disrupt STAT2 protein function with a positive predictive value of 80%. In summary, the available evidence is currently insufficient to determine the role of this variant in disease. Therefore, it has been classified as a Variant of Uncertain Significance.

Ambry Genetics
Classification: Uncertain significance for Inborn genetic diseases. Last evaluated: 2024-08-01. Review status: criteria provided, single submitter. Criteria: Ambry Variant Classification Scheme 2023. Collection method: clinical testing. Allele origin: germline.